The following is an entry in ClinVar:

ClinVar aggregate classification (germline): Uncertain significance. Review status: criteria provided, multiple submitters, no conflicts (2 of 4 stars). 3 submissions from 3 submitters: Uncertain significance (3). Last evaluated 2024-03-11.

Conditions:
Retinal dystrophy. Also called: Inherited retinal dystrophy. Identifiers: Orphanet 71862, MedGen C0854723, MeSH D058499, MONDO:0019118, HP:0000556.

gnomAD v4.1: 14 of 1,614,168 alleles (0.00087%); highest among the groups gnomAD compares: Admixed American, 0.0017%; no homozygotes.

Submissions (3):

Blueprint Genetics
Classification: Uncertain significance. Last evaluated: 2024-03-11. Review status: criteria provided, single submitter. Criteria: ACMG Guidelines, 2015. Collection method: clinical testing. Allele origin: germline.

Dept Of Ophthalmology, Nagoya University
Classification: Uncertain significance for Retinal dystrophy. Last evaluated: 2023-10-01. Review status: criteria provided, single submitter. Criteria: Submitter's publication. Collection method: research. Allele origin: germline. Affected: yes.

Labcorp Genetics (formerly Invitae), Labcorp
Classification: Uncertain significance. Last evaluated: 2022-08-08. Review status: criteria provided, single submitter. Criteria: Invitae Variant Classification Sherloc (09022015). Collection method: clinical testing. Allele origin: germline.
Comment: In summary, the available evidence is currently insufficient to determine the role of this variant in disease. Therefore, it has been classified as a Variant of Uncertain Significance. Algorithms developed to predict the effect of missense changes on protein structure and function (SIFT, PolyPhen-2, Align-GVGD) all suggest that this variant is likely to be disruptive. This variant has not been reported in the literature in individuals affected with DHX38-related conditions. This variant is present in population databases (no rsID available, gnomAD 0.0009%). This sequence change replaces proline, which is neutral and non-polar, with leucine, which is neutral and non-polar, at codon 235 of the DHX38 protein (p.Pro235Leu).

NM_014003.4(DHX38):c.704C>T (p.Pro235Leu)

Gene: DHX38 (DEAH-box helicase 38; plus strand). Cytogenetic location: 16q22.2.
Variant type: single nucleotide variant.
Coding change: c.704C>T on transcript NM_014003.4 (MANE Select); coding-DNA position 704, C replaced by T.
Protein change: p.Pro235Leu; replaces proline 235 with leucine.
Molecular consequence: missense variant.
Genome position (GRCh38, 1-based): chr16:72,098,732, C>T. VCF-style: chr16-72098732-C-T. GRCh37 (hg19) VCF-style: chr16-72132631-C-T.
Other names: short protein forms P235L.
Identifiers: ClinVar variation 1949371 (VCV001949371.7), dbSNP rs893005252, ClinGen allele CA283677077.